The following is an entry in ClinVar:

ClinVar aggregate classification (germline): Uncertain significance. Review status: criteria provided, multiple submitters, no conflicts (2 of 4 stars). 3 submissions from 3 submitters: Uncertain significance (3). Last evaluated 2025-09-11.

Conditions:
Inborn genetic diseases. Identifiers: MedGen C0950123, MeSH D030342.

Allele frequency attached by ClinVar (database versions not stated): ExAC 0.00001; gnomAD exomes 0.00001; gnomAD 0.00007; ESP Exome Variant Server 0.00008; TOPMed 0.00008.
gnomAD v4.1: 20 of 1,614,206 alleles (0.0012%); highest among the groups gnomAD compares: African/African-American, 0.024%; no homozygotes.

Submissions (3):

Women's Health and Genetics/Laboratory Corporation of America, LabCorp
Classification: Uncertain significance. Last evaluated: 2025-09-11. Review status: criteria provided, single submitter. Criteria: LabCorp Variant Classification Summary - May 2015. Collection method: clinical testing. Allele origin: germline.
Comment: Variant summary: DVL3 c.989C>T (p.Thr330Ile) results in a non-conservative amino acid change in the encoded protein sequence. Algorithms developed to predict the effect of missense changes on protein structure and function are either unavailable or do not agree on the potential impact of this missense change. The variant allele was found at a frequency of 1.6e-05 in 251430 control chromosomes. The available data on variant occurrences in the general population are insufficient to allow any conclusion about variant significance. To our knowledge, no occurrence of c.989C>T in individuals affected with DVL3-related conditions and no experimental evidence demonstrating its impact on protein function have been reported. ClinVar contains an entry for this variant (Variation ID: 2507427). Based on the evidence outlined above, the variant was classified as uncertain significance.

Labcorp Genetics (formerly Invitae), Labcorp
Classification: Uncertain significance. Last evaluated: 2024-05-23. Review status: criteria provided, single submitter. Criteria: Invitae Variant Classification Sherloc (09022015). Collection method: clinical testing. Allele origin: germline.
Comment: This sequence change replaces threonine, which is neutral and polar, with isoleucine, which is neutral and non-polar, at codon 330 of the DVL3 protein (p.Thr330Ile). This variant is present in population databases (rs369490830, gnomAD 0.02%). This variant has not been reported in the literature in individuals affected with DVL3-related conditions. ClinVar contains an entry for this variant (Variation ID: 2507427). Advanced modeling of protein sequence and biophysical properties (such as structural, functional, and spatial information, amino acid conservation, physicochemical variation, residue mobility, and thermodynamic stability) performed at Invitae indicates that this missense variant is not expected to disrupt DVL3 protein function with a negative predictive value of 80%. In summary, the available evidence is currently insufficient to determine the role of this variant in disease. Therefore, it has been classified as a Variant of Uncertain Significance.

Ambry Genetics
Classification: Uncertain significance for Inborn genetic diseases. Last evaluated: 2023-03-24. Review status: criteria provided, single submitter. Criteria: Ambry Variant Classification Scheme 2023. Collection method: clinical testing. Allele origin: germline.

NM_004423.4(DVL3):c.989C>T (p.Thr330Ile)

Gene: DVL3 (dishevelled segment polarity protein 3; plus strand). Cytogenetic location: 3q27.1.
Variant type: single nucleotide variant.
Coding change: c.989C>T on transcript NM_004423.4 (MANE Select); coding-DNA position 989, C replaced by T.
Protein change: p.Thr330Ile; replaces threonine 330 with isoleucine.
Molecular consequence: missense variant.
Genome position (GRCh38, 1-based): chr3:184,166,614, C>T. VCF-style: chr3-184166614-C-T. GRCh37 (hg19) VCF-style: chr3-183884402-C-T.
Other names: short protein forms T330I.
Identifiers: ClinVar variation 2507427 (VCV002507427.5), dbSNP rs369490830, ClinGen allele CA2727299.
Genomic context (GRCh38, chr3:184,166,614, plus strand): 5'-CTTGGTCTGGCCTATACGCATCCTGCCTTCACTAGGACACCCTTGTTTTCAGGCCCATCA[C>T]CCTGACTGTAGCCAAGTGCTGGGACCCAAGTCCACGTGGTTGCTTCACATTGCCCAGGAG-3'
Protein context (NP_004414.3, residues 320-340): REIVHKPGPI[Thr330Ile]LTVAKCWDPS